The following is an entry in ClinVar:

ClinVar aggregate classification (germline): Uncertain significance (1 of 4 stars; one submission).

Conditions:
Hereditary cancer-predisposing syndrome. Also called: Hereditary Cancer Syndrome; Hereditary neoplastic syndrome; Neoplastic Syndromes, Hereditary; Tumor predisposition. Identifiers: Orphanet 140162, MedGen C0027672, MeSH D009386, MONDO:0015356.

Submission:

Ambry Genetics
Classification: Uncertain significance for Hereditary cancer-predisposing syndrome. Last evaluated: 2022-01-25. Review status: criteria provided, single submitter. Criteria: Ambry Variant Classification Scheme 2023. Collection method: clinical testing. Allele origin: germline.
Comment: The p.I33N variant (also known as c.98T>A), located in coding exon 2 of the NBN gene, results from a T to A substitution at nucleotide position 98. The isoleucine at codon 33 is replaced by asparagine, an amino acid with dissimilar properties. This amino acid position is highly conserved in available vertebrate species. In addition, this alteration is predicted to be deleterious by in silico analysis. Since supporting evidence is limited at this time, the clinical significance of this alteration remains unclear.

NM_002485.5(NBN):c.98T>A (p.Ile33Asn)

Gene: NBN (nibrin; minus strand). Cytogenetic location: 8q21.3.
Variant type: single nucleotide variant.
Coding change: c.98T>A on transcript NM_002485.5 (MANE Select); coding-DNA position 98, T replaced by A.
Protein change: p.Ile33Asn; replaces isoleucine 33 with asparagine.
Molecular consequence: missense variant. On other transcripts: 5 prime UTR variant (1).
Genome position (GRCh38, 1-based): chr8:89,982,795, A>T on the plus strand (T>A on the coding strand, the complement: NBN is on the minus strand). VCF-style: chr8-89982795-A-T. GRCh37 (hg19) VCF-style: chr8-90995023-A-T.
Other names: c.-199T>A (NM_001024688.3); short protein forms I33N.
Identifiers: ClinVar variation 1768555 (VCV001768555.2), dbSNP rs2488369193, ClinGen allele CA371663293.
Genomic context (GRCh38, chr8:89,982,795, plus strand): 5'-GAAAAGTTAGCAGTTAACACAGCATGATTTCGGCTGATCGACTGATCATTTTCAATCAGA[A>T]TGGCACAGTTTTTCCTTCCAACAACGTACTCAACGCCAGTCAAAAGTCTGTATGGTTCTC-3'
Protein context (NP_002476.2, residues 23-43): EYVVGRKNCA[Ile33Asn]LIENDQSISR